The following is an entry in ClinVar:

NM_000492.4(CFTR):c.2052del (p.Lys684fs)

Gene: CFTR (CF transmembrane conductance regulator; plus strand). Cytogenetic location: 7q31.2.
Variant type: Deletion.
Coding change: c.2052del on transcript NM_000492.4 (MANE Select); coding-DNA position 2052, one base deleted (A; older notation c.2052delA).
Protein change: p.Lys684fs; shifts the reading frame from lysine 684.
Molecular consequence: frameshift variant.
Genome position (GRCh38, 1-based): chr7:117,592,219, A deleted; the last of 7 consecutive A bases (chr7:117,592,213-117,592,219); deleting any one gives the same sequence. VCF-style (leftmost placement, unchanged base first): chr7-117592212-CA-C. GRCh37 (hg19) VCF-style: chr7-117232266-CA-C.
Other names: 2184delA; p.Lys684Asnfs*38; c.2052delA (NM_000492.4); short protein forms K684fs.
Identifiers: ClinVar variation 38493 (VCV000038493.147), dbSNP rs121908746, ClinGen allele CA344706.

ClinVar aggregate classification (germline): Pathogenic. Review status: practice guideline (4 of 4 stars). 32 submissions from 31 submitters: Pathogenic (1). 31 of the submissions do not count toward it. Last evaluated 2004-03-03.

Conditions:
CFTR-related disorder (CFTR-RD). Also called: CFTR-related condition; CFTR-related disorders. Identifiers: MedGen C5924204, MONDO:7770004.
Congenital bilateral aplasia of vas deferens from CFTR mutation (CBAVD). Identifiers: Orphanet 48, MedGen C0403814, MONDO:0010178, OMIM 277180. Disease mechanism: loss of function.
Cystic fibrosis (CF). Also called: MUCOVISCIDOSIS. Identifiers: Orphanet 586, MedGen C0010674, MONDO:0009061, OMIM 219700. Disease mechanism: loss of function.
Hereditary pancreatitis (PCTT). Also called: Hereditary chronic pancreatitis; PRSS1-Related Hereditary Pancreatitis. Identifiers: Orphanet 676, MedGen C0238339, MONDO:0008185, OMIM 167800.
Bronchiectasis with or without elevated sweat chloride 1 (BESC1). Also called: Cystic Fibrosis-Like Syndrome. Identifiers: Orphanet 60033, MedGen C2749757, MONDO:0008887, OMIM 211400.

Submissions 1 to 14 of 32:

American College of Medical Genetics and Genomics  (ACMG)
Classification: Pathogenic for Cystic fibrosis. Last evaluated: 2004-03-03. Review status: practice guideline. Criteria: Guideline for cystic fibrosis carrier screening. Collection method: curation. Allele origin: germline. Inheritance: Autosomal recessive inheritance. Study: The ACMG recommended carrier screening panel.
ClinVar note: Converted during submission from pathogenic to Pathogenic.

CFTR2
Classification: Pathogenic for Cystic fibrosis. Last evaluated: 2017-03-17. Review status: reviewed by expert panel. Criteria: Sosnay PR et al. (Nat Genet 2013). Collection method: research. Allele origin: germline. Affected: yes. Study: CFTR2. Not counted in ClinVar's aggregate classification.

CeGaT Center for Human Genetics Tuebingen
Classification: Pathogenic. Last evaluated: 2026-06-01. Review status: criteria provided, single submitter. Criteria: CeGaT Center For Human Genetics Tuebingen Variant Classification Criteria Version 2. Collection method: clinical testing. Allele origin: germline. Affected: yes. Observed: 1 variant allele. Not counted in ClinVar's aggregate classification.
Comment: CFTR: PVS1, PM2, PM3

Dasa
Classification: Pathogenic. Last evaluated: 2026-04-07. Review status: criteria provided, single submitter. Criteria: DASA Assertion Criteria. Collection method: clinical testing. Allele origin: germline. Not counted in ClinVar's aggregate classification.
Comment: NM_000492.4(CFTR):c.2052del (p.Lys684AsnfsTer38) introduces a premature termination codon predicted to result in loss of normal protein function. Loss-of-function is an established mechanism of disease for this gene. This variant has been recurrently observed in affected individuals with related phenotype in a genotype context consistent with recessive disease (PMID: 21779199; PMID: 26900683; PMID: 23775370; PMID: 26437683; PMID: 25674778). The variant is present at low frequency in population datasets. Based on the available data, this variant is classified as pathogenic.

Labcorp Genetics (formerly Invitae), Labcorp
Classification: Pathogenic for Cystic fibrosis. Last evaluated: 2026-01-20. Review status: criteria provided, single submitter. Criteria: Invitae Variant Classification Sherloc (09022015). Collection method: clinical testing. Allele origin: germline. Not counted in ClinVar's aggregate classification.
Comment: This sequence change creates a premature translational stop signal (p.Lys684Asnfs*38) in the CFTR gene. It is expected to result in an absent or disrupted protein product. Loss-of-function variants in CFTR are known to be pathogenic (PMID: 1695717, 7691345, 9725922). This variant is present in population databases (rs777301769, gnomAD 0.01%). This premature translational stop signal has been observed in individuals with CFTR-related disorders (PMID: 7525963, 18456578, 22658665, 23974870). ClinVar contains an entry for this variant (Variation ID: 38493). For these reasons, this variant has been classified as Pathogenic.

Natera, Inc.
Classification: Pathogenic for CFTR-related disorders. Last evaluated: 2026-01-14. Review status: criteria provided, single submitter. Criteria: Natera Variant Classification Schema (03/2026). Collection method: clinical testing. Allele origin: germline. Not counted in ClinVar's aggregate classification.
Comment: The c.2052delA variant in CFTR is a frameshift variant predicted to shift the reading frame beginning at codon 684 and leads to a stop codon 38 codons downstream. This variant is expected to result in nonsense mediated decay, truncation, or a dysfunctional protein product. This variant is rare in the general population with a frequency below the threshold expected for the associated phenotype(s). This variant has been observed in one or more individuals affected with the associated recessive disease, as either homozygous or compound heterozygous with a second variant (PMID: 7686577, 26087176). Given the available evidence, this variant is classified as Pathogenic.

Institute of Human Genetics, University of Leipzig Medical Center
Classification: Pathogenic for Cystic fibrosis. Last evaluated: 2026-01-05. Review status: criteria provided, single submitter. Criteria: ACMG Guidelines, 2015. Collection method: clinical testing. Allele origin: unknown. Inheritance: Autosomal recessive inheritance. Affected: yes. Not counted in ClinVar's aggregate classification.
Comment: Criteria applied: PVS1,PM3_VSTR,PP4

Genomic Medicine Center of Excellence, King Faisal Specialist Hospital and Research Centre
Classification: Pathogenic for Cystic fibrosis. Last evaluated: 2025-09-10. Review status: criteria provided, single submitter. Criteria: ACMG Guidelines, 2015. Collection method: clinical testing. Allele origin: germline. Not counted in ClinVar's aggregate classification.

Ambry Genetics
Classification: Pathogenic for Cystic fibrosis. Last evaluated: 2025-03-14. Review status: criteria provided, single submitter. Criteria: Ambry Variant Classification Scheme 2023. Collection method: clinical testing. Allele origin: germline. Not counted in ClinVar's aggregate classification.
Comment: The c.2052delA pathogenic mutation (also known as 2184delA), located in coding exon 14 of the CFTR gene, results from a deletion of one nucleotide at nucleotide position 2052, causing a translational frameshift with a predicted alternate stop codon (p.K684Nfs*38). In one study, this variant was detected in an individual with bronchiectasis and elevated sweat chloride levels (Jung H et al. Korean J Lab Med, 2011 Jul;31:219-24). This variant was also found in the homozygous state in a child who presented with mild pulmonary findings, an elevated sweat chloride level, and severe pancreatic and hepatic symptoms (Lissens W et al. J. Med. Genet., 1993 May;30:446). This variant is associated with elevated sweat chloride levels, pulmonary manifestations, and pancreatic insufficiency (Sosnay PR et al. Nat. Genet., 2013 Oct;45:1160-7). The frequency of this variant has been estimated at 0.1% in the United States population, but as high as 1.2% in the populations of Belgium and Southern France (Bobadilla JL et al. Hum. Mutat., 2002 Jun;19:575-606). In addition to the clinical data presented in the literature, this alteration is expected to result in loss of function by premature protein truncation or nonsense-mediated mRNA decay. As such, this alteration is interpreted as a disease-causing mutation.

Victorian Clinical Genetics Services, Murdoch Childrens Research Institute
Classification: Pathogenic for Cystic fibrosis. Last evaluated: 2025-02-18. Review status: criteria provided, single submitter. Criteria: ACMG Guidelines, 2015. Collection method: clinical testing. Allele origin: germline. Affected: no. Not counted in ClinVar's aggregate classification.
Comment: This variant is classified as Pathogenic. Evidence in support of pathogenic classification: Variant is predicted to cause nonsense-mediated decay (NMD) and loss of protein (premature termination codon is located at least 54 nucleotides upstream of the final exon-exon junction); Variant is present in gnomAD <0.01 for a recessive condition (v4: 84 heterozygote(s), 0 homozygote(s)); This variant has strong previous evidence of pathogenicity in unrelated individuals. This variant has been classified as pathogenic by the CFTR2 expert panel and the American College of Medical Genetics and Genomics (ACMG) carrier screening panel (ClinVar); Other NMD-predicted variant(s) comparable to the one identified in this case have very strong previous evidence for pathogenicity (ClinVar, DECIPHER). Additional information: This variant is heterozygous; This gene is associated with autosomal recessive disease; Loss of function is a known mechanism of disease in this gene and is associated with cystic fibrosis (MIM#219700).

3billion
Classification: Pathogenic for Cystic fibrosis. Last evaluated: 2024-10-15. Review status: criteria provided, single submitter. Criteria: ACMG Guidelines, 2015. Collection method: clinical testing. Allele origin: germline. Affected: yes. Not counted in ClinVar's aggregate classification.
Comment: The variant is observed at an extremely low frequency in the gnomAD v4.1.0 dataset (total allele frequency: 0.005%). Predicted Consequence/Location: Frameshift: predicted to result in a loss or disruption of normal protein function through nonsense-mediated decay (NMD) or protein truncation. Multiple pathogenic variants are reported downstream of the variant. The variant has been reported multiple times as an established pathogenic variant (ClinVar ID: VCV000038493 /PMID: 7525963). Therefore, this variant is classified as Pathogenic according to the recommendation of ACMG/AMP guideline.

Revvity Omics, Revvity
Classification: Pathogenic. Last evaluated: 2024-09-09. Review status: criteria provided, single submitter. Criteria: ACMG Guidelines, 2015. Collection method: clinical testing. Allele origin: germline. Not counted in ClinVar's aggregate classification.

Blueprint Genetics
Classification: Pathogenic for CFTR-related disorders. Last evaluated: 2024-08-20. Review status: criteria provided, single submitter. Criteria: ACMG Guidelines, 2015. Collection method: clinical testing. Allele origin: germline. Affected: yes. Observed: 5 variant alleles. Not counted in ClinVar's aggregate classification.

Baylor Genetics
Classification: Pathogenic for Bronchiectasis with or without elevated sweat chloride 1. Last evaluated: 2024-03-23. Review status: criteria provided, single submitter. Criteria: ACMG Guidelines, 2015. Collection method: clinical testing. Allele origin: unknown. Not counted in ClinVar's aggregate classification.